The following is an entry in ClinVar:

NM_000744.7(CHRNA4):c.1824C>T (p.Ile608=)

Gene: CHRNA4 (cholinergic receptor nicotinic alpha 4 subunit; minus strand). Cytogenetic location: 20q13.33.
Variant type: single nucleotide variant.
Coding change: c.1824C>T on transcript NM_000744.7 (MANE Select); coding-DNA position 1824, C replaced by T.
Protein change: p.Ile608=; no amino-acid change (isoleucine 608 retained).
Molecular consequence: synonymous variant. On other transcripts: non-coding transcript variant (1).
Genome position (GRCh38, 1-based): chr20:63,346,798, G>A on the plus strand (C>T on the coding strand, the complement: CHRNA4 is on the minus strand). VCF-style: chr20-63346798-G-A. GRCh37 (hg19) VCF-style: chr20-61978150-G-A.
Other names: c.1296C>T, p.Ile432= (NM_001256573.2).
Identifiers: ClinVar variation 513051 (VCV000513051.5), dbSNP rs748027182, ClinGen allele CA9957487.

ClinVar aggregate classification (germline): Likely benign. Review status: criteria provided, multiple submitters, no conflicts (2 of 4 stars). 3 submissions from 3 submitters: Likely benign (3). Last evaluated 2025-03-17.

Allele frequency attached by ClinVar (database versions not stated): gnomAD exomes below 0.00001 and 0.00001; ExAC 0.00001; gnomAD 0.00002; TOPMed 0.00002.
gnomAD v4.1: 15 of 1,612,516 alleles (0.00093%); highest among the groups gnomAD compares: South Asian, 0.0088%; no homozygotes.

Submissions (3):

Women's Health and Genetics/Laboratory Corporation of America, LabCorp
Classification: Likely benign. Last evaluated: 2025-03-17. Review status: criteria provided, single submitter. Criteria: LabCorp Variant Classification Summary - May 2015. Collection method: clinical testing. Allele origin: germline.

Labcorp Genetics (formerly Invitae), Labcorp
Classification: Likely benign. Last evaluated: 2018-06-23. Review status: criteria provided, single submitter. Criteria: Invitae Variant Classification Sherloc (09022015). Collection method: clinical testing. Allele origin: germline.

GeneDx
Classification: Likely benign. Last evaluated: 2017-11-02. Review status: criteria provided, single submitter. Criteria: GeneDx Variant Classification (06012015). Collection method: clinical testing. Allele origin: germline. Affected: yes.
Comment: This variant is considered likely benign or benign based on one or more of the following criteria: it is a conservative change, it occurs at a poorly conserved position in the protein, it is predicted to be benign by multiple in silico algorithms, and/or has population frequency not consistent with disease.